The following is an entry in ClinVar:

ClinVar aggregate classification (germline): Uncertain significance (1 of 4 stars; one submission).

Conditions:
Biotin-responsive basal ganglia disease (BTBGD). Also called: Thiamine metabolism dysfunction syndrome 2 (biotin- or thiamine-responsive encephalopathy type 2); thiamine-responsive encephalopathy; THIAMINE METABOLISM DYSFUNCTION SYNDROME 2 (BIOTIN- AND THIAMINE-RESPONSIVE TYPE); Thiamine metabolism dysfunction syndrome type 2; Thiamine Transporter-2 Deficiency. Identifiers: Orphanet 199348, Orphanet 65284, MedGen C1843807, MONDO:0011841, OMIM 607483.

Allele frequency attached by ClinVar (database versions not stated): gnomAD exomes below 0.00001 and 0.00001; ExAC 0.00001; gnomAD 0.00001; TOPMed 0.00002; 1000 Genomes Project 30x 0.00016; 1000 Genomes Project 0.00020.
gnomAD v4.1: 5 of 1,614,216 alleles (0.00031%); highest among the groups gnomAD compares: African/African-American, 0.004%; no homozygotes.

Submission:

Labcorp Genetics (formerly Invitae), Labcorp
Classification: Uncertain significance for Biotin-responsive basal ganglia disease. Last evaluated: 2025-08-15. Review status: criteria provided, single submitter. Criteria: Invitae Variant Classification Sherloc (09022015). Collection method: clinical testing. Allele origin: germline.
Comment: This sequence change replaces lysine, which is basic and polar, with threonine, which is neutral and polar, at codon 246 of the SLC19A3 protein (p.Lys246Thr). This variant is present in population databases (rs548559478, gnomAD 0.007%). This variant has not been reported in the literature in individuals affected with SLC19A3-related conditions. ClinVar contains an entry for this variant (Variation ID: 1353171). Invitae Evidence Modeling of protein sequence and biophysical properties (such as structural, functional, and spatial information, amino acid conservation, physicochemical variation, residue mobility, and thermodynamic stability) indicates that this missense variant is not expected to disrupt SLC19A3 protein function with a negative predictive value of 95%. In summary, the available evidence is currently insufficient to determine the role of this variant in disease. Therefore, it has been classified as a Variant of Uncertain Significance.

NM_025243.4(SLC19A3):c.737A>C (p.Lys246Thr)

Gene: SLC19A3 (solute carrier family 19 member 3; minus strand). Cytogenetic location: 2q36.3.
Variant type: single nucleotide variant.
Coding change: c.737A>C on transcript NM_025243.4 (MANE Select); coding-DNA position 737, A replaced by C.
Protein change: p.Lys246Thr; replaces lysine 246 with threonine.
Molecular consequence: missense variant.
Genome position (GRCh38, 1-based): chr2:227,698,978, T>G on the plus strand (A>C on the coding strand, the complement: SLC19A3 is on the minus strand). VCF-style: chr2-227698978-T-G. GRCh37 (hg19) VCF-style: chr2-228563694-T-G.
Other names: c.737A>C, p.Lys246Thr (NM_001371411.1, NM_001371412.1); c.725A>C, p.Lys242Thr (NM_001371413.1, NM_001371414.1); short protein forms K242T, K246T.
Identifiers: ClinVar variation 1353171 (VCV001353171.7), dbSNP rs548559478, ClinGen allele CA2149239.